The following is an entry in ClinVar:

NM_001101362.3(KBTBD13):c.1177C>A (p.Leu393Ile)

Gene: KBTBD13 (kelch repeat and BTB domain containing 13; plus strand). Cytogenetic location: 15q22.31.
Variant type: single nucleotide variant.
Coding change: c.1177C>A on transcript NM_001101362.3 (MANE Select); coding-DNA position 1177, C replaced by A.
Protein change: p.Leu393Ile; replaces leucine 393 with isoleucine.
Molecular consequence: missense variant.
Genome position (GRCh38, 1-based): chr15:65,077,992, C>A. VCF-style: chr15-65077992-C-A. GRCh37 (hg19) VCF-style: chr15-65370330-C-A.
Other names: short protein forms L393I.
Identifiers: ClinVar variation 4721966 (VCV004721966.1).

ClinVar aggregate classification (germline): Uncertain significance (1 of 4 stars; one submission).

Conditions:
Nemaline myopathy 6 (NEM6). Also called: Nemaline myopathy 6, autosomal dominant. Identifiers: Orphanet 171439, MedGen C1836472, MONDO:0012237, OMIM 609273.

Submission:

Labcorp Genetics (formerly Invitae), Labcorp
Classification: Uncertain significance for Nemaline myopathy 6. Last evaluated: 2025-06-23. Review status: criteria provided, single submitter. Criteria: Invitae Variant Classification Sherloc (09022015). Collection method: clinical testing. Allele origin: germline.
Comment: This sequence change replaces leucine, which is neutral and non-polar, with isoleucine, which is neutral and non-polar, at codon 393 of the KBTBD13 protein (p.Leu393Ile). This variant is not present in population databases (gnomAD no frequency). This variant has not been reported in the literature in individuals affected with KBTBD13-related conditions. An algorithm developed to predict the effect of missense changes on protein structure and function (PolyPhen-2) suggests that this variant is likely to be disruptive. In summary, the available evidence is currently insufficient to determine the role of this variant in disease. Therefore, it has been classified as a Variant of Uncertain Significance.